The following is an entry in ClinVar:

ClinVar aggregate classification (germline): Uncertain significance. Review status: criteria provided, multiple submitters, no conflicts (2 of 4 stars). 2 submissions from 2 submitters: Uncertain significance (2). Last evaluated 2023-02-06.

Conditions:
Cardiovascular phenotype. Identifiers: MedGen CN230736.

Allele frequency attached by ClinVar (database versions not stated): gnomAD exomes below 0.00001.
gnomAD v4.1: 6 of 1,613,948 alleles (0.00037%); highest among the groups gnomAD compares: Non-Finnish European, 0.00051%; no homozygotes.

Submissions (2):

GeneDx
Classification: Uncertain significance. Last evaluated: 2023-02-06. Review status: criteria provided, single submitter. Criteria: GeneDx Variant Classification Process June 2021. Collection method: clinical testing. Allele origin: germline. Affected: yes.
Comment: Has not been previously published as pathogenic or benign to our knowledge; Not observed at significant frequency in large population cohorts (gnomAD); In silico analysis supports that this missense variant has a deleterious effect on protein structure/function

Ambry Genetics
Classification: Uncertain significance for Cardiovascular phenotype. Last evaluated: 2019-03-05. Review status: criteria provided, single submitter. Criteria: Ambry Variant Classification Scheme 2023. Collection method: clinical testing. Allele origin: germline.
Comment: The p.D657H variant (also known as c.1969G>C), located in coding exon 21 of the MYBPC3 gene, results from a G to C substitution at nucleotide position 1969. The aspartic acid at codon 657 is replaced by histidine, an amino acid with similar properties. This amino acid position is well conserved in available vertebrate species. In addition, the in silico prediction for this alteration is inconclusive. Since supporting evidence is limited at this time, the clinical significance of this alteration remains unclear.

NM_000256.3(MYBPC3):c.1969G>C (p.Asp657His)

Gene: MYBPC3 (myosin binding protein C3; minus strand). Cytogenetic location: 11p11.2.
Variant type: single nucleotide variant.
Coding change: c.1969G>C on transcript NM_000256.3 (MANE Select); coding-DNA position 1969, G replaced by C.
Protein change: p.Asp657His; replaces aspartic acid 657 with histidine.
Molecular consequence: missense variant.
Genome position (GRCh38, 1-based): chr11:47,339,749, C>G on the plus strand (G>C on the coding strand, the complement: MYBPC3 is on the minus strand). VCF-style: chr11-47339749-C-G. GRCh37 (hg19) VCF-style: chr11-47361300-C-G.
Other names: short protein forms D657H.
Identifiers: ClinVar variation 1783568 (VCV001783568.3), dbSNP rs2495756389, ClinGen allele CA380321865.
Genomic context (GRCh38, chr11:47,339,749, plus strand): 5'-GGTCCCCAGAGATAGGGACGTCCAGACGTAGCTTATTTCCAGCTACAACCACAATGGTGT[C>G]TGGTATGCGGCCTGGGCAGTCCAGGTGGATCTTGGGAGGTTCTGCAGAAGACACAATGTA-3'
Protein context (NP_000247.2, residues 647-667): IHLDCPGRIP[Asp657His]TIVVVAGNKL